The following is an entry in ClinVar:

ClinVar aggregate classification (germline): Conflicting classifications of pathogenicity. Review status: criteria provided, conflicting classifications (1 of 4 stars). 10 submissions from 8 submitters: Uncertain significance (3); Likely benign (5). 2 of the submissions do not count toward it. Last evaluated 2026-01-14.

Conditions:
MYO7A-related disorder. Also called: MYO7A-related disorders.
Autosomal recessive nonsyndromic hearing loss 2. Also called: DEAFNESS, AUTOSOMAL RECESSIVE 2; NEUROSENSORY NONSYNDROMIC RECESSIVE DEAFNESS 2. Identifiers: Orphanet 90636, MedGen C1838701, MONDO:0010807, OMIM 600060.
Usher syndrome type 1 (USH1). Also called: RETINITIS PIGMENTOSA AND CONGENITAL DEAFNESS. Identifiers: Orphanet 231169, Orphanet 886, MedGen C1568247, MONDO:0010168, OMIM 276900.
Autosomal dominant nonsyndromic hearing loss 11. Identifiers: Orphanet 90635, MedGen C1832475, MONDO:0011032, OMIM 601317.

Allele frequency attached by ClinVar (database versions not stated): ExAC 0.00030; gnomAD 0.00035; TOPMed 0.00052; 1000 Genomes Project 30x 0.00062; 1000 Genomes Project 0.00080.
gnomAD v4.1: 154 of 1,613,886 alleles (0.0095%); highest among the groups gnomAD compares: East Asian, 0.32%; 1 homozygote.

Submissions (10):

Labcorp Genetics (formerly Invitae), Labcorp
Classification: Likely benign. Last evaluated: 2026-01-14. Review status: criteria provided, single submitter. Criteria: Invitae Variant Classification Sherloc (09022015). Collection method: clinical testing. Allele origin: germline.

Blueprint Genetics
Classification: Likely benign. Last evaluated: 2024-11-11. Review status: criteria provided, single submitter. Criteria: ACMG Guidelines, 2015. Collection method: clinical testing. Allele origin: germline.

GeneDx
Classification: Uncertain significance. Last evaluated: 2021-06-29. Review status: criteria provided, single submitter. Criteria: GeneDx Variant Classification Process June 2021. Collection method: clinical testing. Allele origin: germline. Affected: yes.
Comment: Observed as heterozygous in multiple unrelated patients with hearing loss in published literature; patients either harbored no second MYO7A variant or few patient details were provided (Yoshimura et al., 2013; Nishio et al., 2015; Chen et al., 2016; Sun et al., 2018); In silico analysis supports that this missense variant has a deleterious effect on protein structure/function; This variant is associated with the following publications: (PMID: 29625443, 27535533, 33111992, 25788563, 27610647, 24831256, 23237960, 30245029)

Illumina Laboratory Services, Illumina
Classification: Likely benign for Autosomal dominant nonsyndromic hearing loss 11. Last evaluated: 2017-04-27. Review status: criteria provided, single submitter. Criteria: ICSL Variant Classification Criteria 13 December 2019. Collection method: clinical testing. Allele origin: germline.
Comment: This variant was observed as part of a predisposition screen in an ostensibly healthy population. A literature search was performed for the gene, cDNA change, and amino acid change (where applicable). Publications were found based on this search. The evidence from the literature, in combination with allele frequency data from public databases where available, was sufficient to determine this variant is unlikely to cause disease. Therefore, this variant is classified as likely benign.

Illumina Laboratory Services, Illumina
Classification: Uncertain significance for Autosomal recessive nonsyndromic hearing loss 2. Last evaluated: 2017-04-27. Review status: criteria provided, single submitter. Criteria: ICSL Variant Classification Criteria 13 December 2019. Collection method: clinical testing. Allele origin: germline.
Comment: This variant was observed as part of a predisposition screen in an ostensibly healthy population. A literature search was performed for the gene, cDNA change, and amino acid change (where applicable). Publications were found based on this search. However, the evidence from the literature, in combination with allele frequency data from public databases where available, was not sufficient to rule this variant in or out of causing disease. Therefore, this variant is classified as a variant of unknown significance.

Illumina Laboratory Services, Illumina
Classification: Uncertain significance for Usher syndrome type 1. Last evaluated: 2017-04-27. Review status: criteria provided, single submitter. Criteria: ICSL Variant Classification Criteria 13 December 2019. Collection method: clinical testing. Allele origin: germline.

Laboratory for Molecular Medicine, Mass General Brigham Personalized Medicine
Classification: Likely benign. Last evaluated: 2016-04-13. Review status: criteria provided, single submitter. Criteria: LMM Criteria. Collection method: clinical testing. Allele origin: germline. Observed: 4 variant alleles.
Comment: p.Cys1201Ser in exon 28 of MYO7A: This variant is not expected to have clinical significance because it has been identified in 0.4% (36/8622) of East Asian chro mosomes by the Exome Aggregation Consortium (ExAC, g; dbSNP rs117966637).

Genetic Testing Center for Deafness, Department of Otolaryngology Head & Neck Surgery, Institute of Otolaryngology, Chinese PLA General Hospital
Classification: Likely benign for Autosomal dominant nonsyndromic hearing loss 11. Review status: criteria provided, single submitter. Criteria: ClinGen HL ACMG Specifications v1. Collection method: case-control. Allele origin: germline. Affected: no. Observed: 4 variant alleles. Clinical features observed: Hearing loss, Multiple lentigines, Ocular hypertelorism.

PreventionGenetics, part of Exact Sciences
Classification: Likely benign for MYO7A-related condition. Last evaluated: 2024-09-16. Review status: no assertion criteria provided. Collection method: clinical testing. Allele origin: germline. Not counted in ClinVar's aggregate classification.
Comment: This variant is classified as likely benign based on ACMG/AMP sequence variant interpretation guidelines (Richards et al. 2015 PMID: 25741868, with internal and published modifications).

Counsyl
Classification: Uncertain significance for Usher syndrome type 1; Autosomal recessive nonsyndromic hearing loss 2. Last evaluated: 2017-02-08. Review status: no assertion criteria provided. Collection method: clinical testing. Allele origin: unknown. Not counted in ClinVar's aggregate classification.

Literature cited by the submitters: PubMed 23237960 (cited by Illumina Laboratory Services, Illumina and Laboratory for Molecular Medicine, Mass General Brigham Personalized Medicine); PubMed 24831256 (cited by Laboratory for Molecular Medicine, Mass General Brigham Personalized Medicine); PubMed 25788563 (cited by Counsyl); PubMed 27610647 (cited by Counsyl).

NM_000260.4(MYO7A):c.3602G>C (p.Cys1201Ser)

Gene: MYO7A (myosin VIIA; plus strand). Cytogenetic location: 11q13.5.
Variant type: single nucleotide variant.
Coding change: c.3602G>C on transcript NM_000260.4 (MANE Select); coding-DNA position 3602, G replaced by C.
Protein change: p.Cys1201Ser; replaces cysteine 1201 with serine.
Molecular consequence: missense variant.
Genome position (GRCh38, 1-based): chr11:77,189,442, G>C. VCF-style: chr11-77189442-G-C. GRCh37 (hg19) VCF-style: chr11-76900487-G-C.
Other names: c.3602G>C, p.Cys1201Ser (NM_001127180.2); c.3569G>C, p.Cys1190Ser (NM_001369365.1); short protein forms C1201S, C1190S.
Identifiers: ClinVar variation 43215 (VCV000043215.27), dbSNP rs117966637, ClinGen allele CA132299.
Genomic context (GRCh38, chr11:77,189,442, plus strand): 5'-ACAACCCCTCCAAGAGCAGCTATGCCCGGGGCTGGATTCTCGTGTCTCTCTGCGTGGGCT[G>C]TTTCGCCCCCTCCGAGAAGTTTGTCAAGGTAGGAAGGTGCCTGGCCTCCTGGAGTGGGAA-3'
Protein context (NP_000251.3, residues 1191-1211): GWILVSLCVG[Cys1201Ser]FAPSEKFVKY